The following is an entry in ClinVar:

NM_130837.3(OPA1):c.*1_*5delATTAA

Gene: OPA1 (OPA1 mitochondrial dynamin like GTPase; plus strand). Cytogenetic location: 3q29.
Variant type: Deletion.
Coding change: c.*1_*5delATTAA on transcript NM_130837.3 (MANE Select); 1 bases downstream of the stop codon through 5 bases downstream of the stop codon, 5 bases deleted (ATTAA).
Molecular consequence: no sequence alteration.
Genome position (GRCh38, 1-based): chr3:193,692,128-193,692,132, ATTAA deleted; deleting any 5 consecutive bases within chr3:193,692,125-193,692,132 gives the same sequence; the c. name uses the placement nearest the transcript's 3' end. VCF-style (leftmost placement, unchanged base first): chr3-193692124-ATAAAT-A. GRCh37 (hg19) VCF-style: chr3-193409913-ATAAAT-A.
Other names: c.*1_*5delATTAA (NM_001354663.2, NM_001354664.2, NM_015560.3 and 6 more transcripts).
Identifiers: ClinVar variation 1952609 (VCV001952609.5), dbSNP rs1373586761, ClinGen allele CA548939387.

ClinVar aggregate classification (germline): Uncertain significance (1 of 4 stars; one submission).

Submission:

Labcorp Genetics (formerly Invitae), Labcorp
Classification: Uncertain significance. Last evaluated: 2022-06-17. Review status: criteria provided, single submitter. Criteria: Invitae Variant Classification Sherloc (09022015). Collection method: clinical testing. Allele origin: germline.
Comment: This variant has not been reported in the literature in individuals affected with OPA1-related conditions. This variant is present in population databases (no rsID available, gnomAD 0.02%). This variant occurs in a non-coding region of the OPA1 gene. It does not change the encoded amino acid sequence of the OPA1 protein. Experimental studies and prediction algorithms are not available or were not evaluated, and the functional significance of this variant is currently unknown. In summary, the available evidence is currently insufficient to determine the role of this variant in disease. Therefore, it has been classified as a Variant of Uncertain Significance.